The following is an entry in ClinVar:

NM_133459.4(CCBE1):c.951+1G>A

Gene: CCBE1 (collagen and calcium binding EGF domains 1; minus strand). Cytogenetic location: 18q21.32.
Variant type: single nucleotide variant.
Coding change: c.951+1G>A on transcript NM_133459.4 (MANE Select); the canonical splice donor site of the intron after coding-DNA position 951, G replaced by A.
Molecular consequence: splice donor variant.
Genome position (GRCh38, 1-based): chr18:59,439,542, C>T on the plus strand (G>A on the coding strand, the complement: CCBE1 is on the minus strand). VCF-style: chr18-59439542-C-T. GRCh37 (hg19) VCF-style: chr18-57106774-C-T.
Identifiers: ClinVar variation 3686999 (VCV003686999.2).

ClinVar aggregate classification (germline): Likely pathogenic (1 of 4 stars; one submission).

gnomAD v4.1: 2 of 1,614,134 alleles (0.00012%); highest among the groups gnomAD compares: African/African-American, 0.0027%; no homozygotes.

Submission:

Labcorp Genetics (formerly Invitae), Labcorp
Classification: Likely pathogenic. Last evaluated: 2024-04-25. Review status: criteria provided, single submitter. Criteria: Invitae Variant Classification Sherloc (09022015). Collection method: clinical testing. Allele origin: germline.
Comment: This sequence change affects a donor splice site in intron 9 of the CCBE1 gene. It is expected to disrupt RNA splicing. Variants that disrupt the donor or acceptor splice site typically lead to a loss of protein function (PMID: 16199547), and loss-of-function variants in CCBE1 are known to be pathogenic (PMID: 19935664, 21778431, 26686525). This variant is present in population databases (no rsID available, gnomAD 0.01%). This variant has not been reported in the literature in individuals affected with CCBE1-related conditions. Algorithms developed to predict the effect of sequence changes on RNA splicing suggest that this variant may disrupt the consensus splice site. In summary, the currently available evidence indicates that the variant is pathogenic, but additional data are needed to prove that conclusively. Therefore, this variant has been classified as Likely Pathogenic.

Literature cited by the submitters: PubMed 16199547; PubMed 19935664; PubMed 21778431; PubMed 26686525.